The following is an entry in ClinVar:

ClinVar aggregate classification (germline): Benign/Likely benign. Review status: criteria provided, multiple submitters, no conflicts (2 of 4 stars). 2 submissions from 2 submitters: Benign (1); Likely benign (1). Last evaluated 2024-07-01.

Conditions:
Hereditary cancer-predisposing syndrome. Also called: Hereditary Cancer Syndrome; Hereditary neoplastic syndrome; Tumor predisposition; Neoplastic Syndromes, Hereditary. Identifiers: Orphanet 140162, MedGen C0027672, MeSH D009386, MONDO:0015356.
Oligodontia-cancer predisposition syndrome. Also called: TOOTH AGENESIS-COLORECTAL CANCER SYNDROME. Identifiers: Orphanet 300576, MedGen C1837750, MONDO:0012075, OMIM 608615. Disease mechanism: loss of function.

Submissions (2):

Myriad Genetics, Inc.
Classification: Benign for Oligodontia-cancer predisposition syndrome. Last evaluated: 2024-07-01. Review status: criteria provided, single submitter. Criteria: Myriad Autosomal Dominant, Autosomal Recessive and X-Linked Classification Criteria (2023). Collection method: clinical testing. Allele origin: unknown.
Comment: This variant is considered benign. This variant is a silent/synonymous amino acid change and it is not expected to impact splicing.

Ambry Genetics
Classification: Likely benign for Hereditary cancer-predisposing syndrome. Last evaluated: 2022-06-03. Review status: criteria provided, single submitter. Criteria: Ambry Variant Classification Scheme 2023. Collection method: clinical testing. Allele origin: germline.

NM_004655.4(AXIN2):c.1101C>G (p.Pro367=)

Gene: AXIN2 (axin 2; minus strand). Cytogenetic location: 17q24.1.
Variant type: single nucleotide variant.
Coding change: c.1101C>G on transcript NM_004655.4 (MANE Select); coding-DNA position 1101, C replaced by G.
Protein change: p.Pro367=; no amino-acid change (proline 367 retained).
Molecular consequence: synonymous variant.
Genome position (GRCh38, 1-based): chr17:65,538,302, G>C on the plus strand (C>G on the coding strand, the complement: AXIN2 is on the minus strand). VCF-style: chr17-65538302-G-C. GRCh37 (hg19) VCF-style: chr17-63534420-G-C.
Other names: c.1101C>G, p.Pro367= (NM_001363813.1).
Identifiers: ClinVar variation 1792465 (VCV001792465.3), dbSNP rs141697521, ClinGen allele CA501476374.